The following is an entry in ClinVar:

NM_006506.5(RASA2):c.1116T>A (p.Asp372Glu)

Gene: RASA2 (RAS p21 protein activator 2; plus strand). Cytogenetic location: 3q23.
Variant type: single nucleotide variant.
Coding change: c.1116T>A on transcript NM_006506.5 (MANE Select); coding-DNA position 1116, T replaced by A.
Protein change: p.Asp372Glu; replaces aspartic acid 372 with glutamic acid.
Molecular consequence: missense variant.
Genome position (GRCh38, 1-based): chr3:141,571,501, T>A. VCF-style: chr3-141571501-T-A. GRCh37 (hg19) VCF-style: chr3-141290343-T-A.
Other names: c.1116T>A, p.Asp372Glu (NM_001303245.3, NM_001303246.3); c.1116T>A (NM_006506.2); short protein forms D372E.
Identifiers: ClinVar variation 1217271 (VCV001217271.5), dbSNP rs2082919565, ClinGen allele CA354776175.

ClinVar aggregate classification (germline): Uncertain significance. Review status: criteria provided, multiple submitters, no conflicts (2 of 4 stars). 3 submissions from 3 submitters: Uncertain significance (3). Last evaluated 2024-07-06.

Allele frequency attached by ClinVar (database versions not stated): gnomAD exomes 0.00001.
gnomAD v4.1: 9 of 1,613,174 alleles (0.00056%); highest among the groups gnomAD compares: Non-Finnish European, 0.00076%; no homozygotes.

Submissions (3):

Ambry Genetics
Classification: Uncertain significance. Last evaluated: 2024-07-06. Review status: criteria provided, single submitter. Criteria: Ambry Variant Classification Scheme 2023. Collection method: clinical testing. Allele origin: germline.
Comment: The p.D372E variant (also known as c.1116T>A), located in coding exon 11 of the RASA2 gene, results from a T to A substitution at nucleotide position 1116. The aspartic acid at codon 372 is replaced by glutamic acid, an amino acid with highly similar properties. This amino acid position is conserved. In addition, this alteration is predicted to be tolerated by in silico analysis. Based on the available evidence, the clinical significance of this variant remains unclear.

Labcorp Genetics (formerly Invitae), Labcorp
Classification: Uncertain significance. Last evaluated: 2023-11-20. Review status: criteria provided, single submitter. Criteria: Invitae Variant Classification Sherloc (09022015). Collection method: clinical testing. Allele origin: germline.
Comment: This sequence change replaces aspartic acid, which is acidic and polar, with glutamic acid, which is acidic and polar, at codon 372 of the RASA2 protein (p.Asp372Glu). This variant is not present in population databases (gnomAD no frequency). This variant has not been reported in the literature in individuals affected with RASA2-related conditions. ClinVar contains an entry for this variant (Variation ID: 1217271). Advanced modeling of protein sequence and biophysical properties (such as structural, functional, and spatial information, amino acid conservation, physicochemical variation, residue mobility, and thermodynamic stability) performed at Invitae indicates that this missense variant is not expected to disrupt RASA2 protein function with a negative predictive value of 80%. In summary, the available evidence is currently insufficient to determine the role of this variant in disease. Therefore, it has been classified as a Variant of Uncertain Significance.

Women's Health and Genetics/Laboratory Corporation of America, LabCorp
Classification: Uncertain significance. Last evaluated: 2021-08-23. Review status: criteria provided, single submitter. Criteria: LabCorp Variant Classification Summary - May 2015. Collection method: clinical testing. Allele origin: germline.
Comment: Variant summary: RASA2 c.1116T>A (p.Asp372Glu) results in a conservative amino acid change located in the Ras GTPase-activating domain (IPR001936) of the encoded protein sequence. Four of five in-silico tools predict a benign effect of the variant on protein function. The variant was absent in 250180 control chromosomes. The available data on variant occurrences in the general population are insufficient to allow any conclusion about variant significance. To our knowledge, no occurrence of c.1116T>A in individuals affected with Noonan Syndrome and no experimental evidence demonstrating its impact on protein function have been reported. No clinical diagnostic laboratories have submitted clinical-significance assessments for this variant to ClinVar after 2014. Based on the evidence outlined above, the variant was classified as uncertain significance.